The following is an entry in ClinVar:

NM_000553.6(WRN):c.892A>G (p.Met298Val)

Gene: WRN (WRN RecQ like helicase; plus strand). Cytogenetic location: 8p12.
Variant type: single nucleotide variant.
Coding change: c.892A>G on transcript NM_000553.6 (MANE Select); coding-DNA position 892, A replaced by G.
Protein change: p.Met298Val; replaces methionine 298 with valine.
Molecular consequence: missense variant.
Genome position (GRCh38, 1-based): chr8:31,080,919, A>G. VCF-style: chr8-31080919-A-G. GRCh37 (hg19) VCF-style: chr8-30938435-A-G.
Other names: short protein forms M298V.
Identifiers: ClinVar variation 2749194 (VCV002749194.3), dbSNP rs2535909653, ClinGen allele CA370919771.

ClinVar aggregate classification (germline): Uncertain significance (1 of 4 stars; one submission).

Conditions:
Werner syndrome (WRN). Identifiers: Orphanet 902, MedGen C0043119, MONDO:0010196, OMIM 277700.

Submission:

Labcorp Genetics (formerly Invitae), Labcorp
Classification: Uncertain significance for Werner syndrome. Last evaluated: 2023-08-02. Review status: criteria provided, single submitter. Criteria: Invitae Variant Classification Sherloc (09022015). Collection method: clinical testing. Allele origin: germline.
Comment: This sequence change replaces methionine, which is neutral and non-polar, with valine, which is neutral and non-polar, at codon 298 of the WRN protein (p.Met298Val). This variant is not present in population databases (gnomAD no frequency). This variant has not been reported in the literature in individuals affected with WRN-related conditions. Algorithms developed to predict the effect of missense changes on protein structure and function output the following: SIFT: "Not Available"; PolyPhen-2: "Benign"; Align-GVGD: "Not Available". The valine amino acid residue is found in multiple mammalian species, which suggests that this missense change does not adversely affect protein function. In summary, the available evidence is currently insufficient to determine the role of this variant in disease. Therefore, it has been classified as a Variant of Uncertain Significance.